The following is an entry in ClinVar:

NM_033026.6(PCLO):c.1871A>C (p.Asn624Thr)

Gene: PCLO (piccolo presynaptic cytomatrix protein; minus strand). Cytogenetic location: 7q21.11.
Variant type: single nucleotide variant.
Coding change: c.1871A>C on transcript NM_033026.6 (MANE Select); coding-DNA position 1871, A replaced by C.
Protein change: p.Asn624Thr; replaces asparagine 624 with threonine.
Molecular consequence: missense variant.
Genome position (GRCh38, 1-based): chr7:83,154,770, T>G on the plus strand (A>C on the coding strand, the complement: PCLO is on the minus strand). VCF-style: chr7-83154770-T-G. GRCh37 (hg19) VCF-style: chr7-82784086-T-G.
Other names: c.1871A>C, p.Asn624Thr (NM_014510.3); short protein forms N624T.
Identifiers: ClinVar variation 2053065 (VCV002053065.2), dbSNP rs766799565, ClinGen allele CA4321376.
Genomic context (GRCh38, chr7:83,154,770, plus strand): 5'-GGCTGAAGAGTATGGACTCAGTGAATAAATGCACTTACCTCCGTTAAATGAGGATTGGGA[T>G]TAAAACCACAGAGACTACAGACAGTGGTTTGACACTCAGTGCATGTGTTAAAATTGGCCT-3'
Protein context (NP_149015.2, residues 614-634): QTTVCSLCGF[Asn624Thr]PNPHLTEVKE

ClinVar aggregate classification (germline): Uncertain significance (1 of 4 stars; one submission).

Allele frequency attached by ClinVar (database versions not stated): gnomAD exomes below 0.00001; ExAC 0.00001; gnomAD 0.00001.
gnomAD v4.1: 2 of 1,613,690 alleles (0.00012%); highest among the groups gnomAD compares: Admixed American, 0.0017%; no homozygotes.

Submission:

Labcorp Genetics (formerly Invitae), Labcorp
Classification: Uncertain significance. Last evaluated: 2022-03-25. Review status: criteria provided, single submitter. Criteria: Invitae Variant Classification Sherloc (09022015). Collection method: clinical testing. Allele origin: germline.
Comment: Algorithms developed to predict the effect of missense changes on protein structure and function are either unavailable or do not agree on the potential impact of this missense change (SIFT: "Deleterious"; PolyPhen-2: "Not Available"; Align-GVGD: "Class C0"). This variant has not been reported in the literature in individuals affected with PCLO-related conditions. This variant is present in population databases (rs766799565, gnomAD 0.004%). This sequence change replaces asparagine, which is neutral and polar, with threonine, which is neutral and polar, at codon 624 of the PCLO protein (p.Asn624Thr). In summary, the available evidence is currently insufficient to determine the role of this variant in disease. Therefore, it has been classified as a Variant of Uncertain Significance.